The following is an entry in ClinVar:

NM_000090.4(COL3A1):c.2262C>T (p.Val754=)

Gene: COL3A1 (collagen type III alpha 1 chain; plus strand). Cytogenetic location: 2q32.2.
Variant type: single nucleotide variant.
Coding change: c.2262C>T on transcript NM_000090.4 (MANE Select); coding-DNA position 2262, C replaced by T.
Protein change: p.Val754=; no amino-acid change (valine 754 retained).
Molecular consequence: synonymous variant.
Genome position (GRCh38, 1-based): chr2:188,999,874, C>T. VCF-style: chr2-188999874-C-T. GRCh37 (hg19) VCF-style: chr2-189864600-C-T.
Identifiers: ClinVar variation 2894538 (VCV002894538.4), dbSNP rs2469145031, ClinGen allele CA430310782.
Genomic context (GRCh38, chr2:188,999,874, plus strand): 5'-TCTGATGACATTGGCTTTTATTTGACAGGGTGAACCAGGCGGTCCAGGTGCTGATGGTGT[C>T]CCAGGGAAAGATGGCCCAAGGGTGAGTATTCCCAGTGAGGAGAAGCAGGCCTTATCTATA-3'
Protein context (NP_000081.2, residues 744-764): GEPGGPGADG[Val754=]PGKDGPRGPT

ClinVar aggregate classification (germline): Conflicting classifications of pathogenicity. Review status: criteria provided, conflicting classifications (1 of 4 stars). 2 submissions from 2 submitters: Uncertain significance (1); Likely benign (1). Last evaluated 2023-11-15.

Conditions:
Ehlers-Danlos syndrome, type 4 (EDSVASC). Also called: Ehlers-Danlos syndrome vascular type; Ehlers Danlos syndrome, ecchymotic type; Ehlers Danlos syndrome, arterial type; Ehlers Danlos syndrome, Sack-Barabas type; Ehlers-Danlos Syndrome Type IV. Identifiers: Orphanet 286, MedGen C0268338, MONDO:0017314, OMIM 130050.

Allele frequency attached by ClinVar (database versions not stated): gnomAD exomes below 0.00001.
gnomAD v4.1: 1 of 1,593,976 alleles (0.000063%); highest among the groups gnomAD compares: South Asian, 0.0011%; no homozygotes.

Submissions (2):

Labcorp Genetics (formerly Invitae), Labcorp
Classification: Likely benign for Ehlers-Danlos syndrome, type 4. Last evaluated: 2023-11-15. Review status: criteria provided, single submitter. Criteria: Invitae Variant Classification Sherloc (09022015). Collection method: clinical testing. Allele origin: germline.

All of Us Research Program, National Institutes of Health
Classification: Uncertain significance for Ehlers-Danlos syndrome, type 4. Last evaluated: 2023-08-23. Review status: criteria provided, single submitter. Criteria: ACMG Guidelines, 2015. Collection method: clinical testing. Allele origin: germline. Inheritance: Autosomal dominant inheritance. Observed: 1 variant allele, 1 heterozygote.
Comment: This variant is located in the COL3A1 protein. To our knowledge, functional studies have not been reported for this variant. This variant has not been reported in individuals affected with COL3A1-related disorders in the literature. This variant has not been identified in the general population by the Genome Aggregation Database (gnomAD). The available evidence is insufficient to determine the role of this variant in disease conclusively. Therefore, this variant is classified as a Variant of Uncertain Significance.

This study involves interpretation of variants in research participants for the purpose of population health screening. Participant phenotype was not available at the time of variant classification. Additional details can be found in publication PMID: 35346344, PMCID: PMC8962531